The following is an entry in ClinVar:

ClinVar aggregate classification (germline): Likely benign. Review status: criteria provided, multiple submitters, no conflicts (2 of 4 stars). 3 submissions from 3 submitters: Likely benign (2). 1 of the submissions does not count toward it. Last evaluated 2026-01-25.

Conditions:
DOLK-related disorder. Also called: DOLK-related condition.
DK1-congenital disorder of glycosylation. Also called: CONGENITAL DISORDER OF GLYCOSYLATION, TYPE Im; CDG Im; DOLK-congenital disorder of glycosylation; Carbohydrate deficient glycoprotein syndrome type 1m; DK1 DEFICIENCY; DOLICHOL KINASE DEFICIENCY. Identifiers: Orphanet 91131, MedGen C1835849, MONDO:0012556, OMIM 610768.
Cardiovascular phenotype. Identifiers: MedGen CN230736.

Allele frequency attached by ClinVar (database versions not stated): gnomAD 0.00005 and 0.00007; gnomAD exomes 0.00007 and 0.00008; ExAC 0.00011; TOPMed 0.00014; 1000 Genomes Project 30x 0.00016; 1000 Genomes Project 0.00020.

Submissions (3):

Labcorp Genetics (formerly Invitae), Labcorp
Classification: Likely benign for DK1-congenital disorder of glycosylation. Last evaluated: 2026-01-25. Review status: criteria provided, single submitter. Criteria: Invitae Variant Classification Sherloc (09022015). Collection method: clinical testing. Allele origin: germline.

Ambry Genetics
Classification: Likely benign for Cardiovascular phenotype. Last evaluated: 2021-06-14. Review status: criteria provided, single submitter. Criteria: Ambry Variant Classification Scheme 2023. Collection method: clinical testing. Allele origin: germline.

PreventionGenetics, part of Exact Sciences
Classification: Likely benign for DOLK-related condition. Last evaluated: 2019-07-13. Review status: no assertion criteria provided. Collection method: clinical testing. Allele origin: germline. Not counted in ClinVar's aggregate classification.
Comment: This variant is classified as likely benign based on ACMG/AMP sequence variant interpretation guidelines (Richards et al. 2015 PMID: 25741868, with internal and published modifications).

NM_014908.4(DOLK):c.33G>A (p.Gly11=)

Gene: DOLK (dolichol kinase; minus strand). Cytogenetic location: 9q34.11.
Variant type: single nucleotide variant.
Coding change: c.33G>A on transcript NM_014908.4 (MANE Select); coding-DNA position 33, G replaced by A.
Protein change: p.Gly11=; no amino-acid change (glycine 11 retained).
Molecular consequence: synonymous variant.
Genome position (GRCh38, 1-based): chr9:128,947,271, C>T on the plus strand (G>A on the coding strand, the complement: DOLK is on the minus strand). VCF-style: chr9-128947271-C-T. GRCh37 (hg19) VCF-style: chr9-131709550-C-T.
Identifiers: ClinVar variation 703300 (VCV000703300.17), dbSNP rs375483505, ClinGen allele CA5271807.